The following is an entry in ClinVar:

ClinVar aggregate classification (germline): Benign/Likely benign. Review status: criteria provided, multiple submitters, no conflicts (2 of 4 stars). 9 submissions from 9 submitters: Benign (1); Likely benign (5). 3 of the submissions do not count toward it. Last evaluated 2026-01-28.

Conditions:
Cardiovascular phenotype. Identifiers: MedGen CN230736.
Hypertrophic cardiomyopathy 14. Identifiers: MedGen C2750467, MONDO:0013197, OMIM 613251.

Allele frequency attached by ClinVar (database versions not stated): gnomAD exomes 0.00012 and 0.00031; ExAC 0.00042; gnomAD 0.00113 and 0.00116; TOPMed 0.00121; ESP Exome Variant Server 0.00138; 1000 Genomes Project 30x 0.00234; 1000 Genomes Project 0.00240.

Submissions (9):

Labcorp Genetics (formerly Invitae), Labcorp
Classification: Likely benign for Hypertrophic cardiomyopathy 14. Last evaluated: 2026-01-28. Review status: criteria provided, single submitter. Criteria: Invitae Variant Classification Sherloc (09022015). Collection method: clinical testing. Allele origin: germline.

GeneDx
Classification: Likely benign. Last evaluated: 2020-05-15. Review status: criteria provided, single submitter. Criteria: GeneDx Variant Classification Process June 2021. Collection method: clinical testing. Allele origin: germline. Affected: yes.

Women's Health and Genetics/Laboratory Corporation of America, LabCorp
Classification: Likely benign. Last evaluated: 2019-11-11. Review status: criteria provided, single submitter. Criteria: LabCorp Variant Classification Summary - May 2015. Collection method: clinical testing. Allele origin: germline.
Comment: Variant summary: MYH6 c.4906C>T (p.Arg1636Cys) results in a non-conservative amino acid change located in the Myosin tail domain (IPR002928) of the encoded protein sequence. Five of five in-silico tools predict a damaging effect of the variant on protein function. The variant allele was found at a frequency of 0.00037 in 282768 control chromosomes, predominantly at a frequency of 0.004 within the African or African-American subpopulation in the gnomAD database. The observed variant frequency within African or African-American control individuals in the gnomAD database is approximately 160 fold the estimated maximal expected allele frequency for a pathogenic variant in MYH6 causing Cardiomyopathy phenotype (2.5e-05), strongly suggesting that the variant is a benign polymorphism found primarily in populations of African or African-American origin. c.4906C>T has been reported in the literature in an individual affected with sudden cardiac death (Seidelmann_2017). This report however, does not provide unequivocal conclusions about association of the variant with Cardiomyopathy. To our knowledge, no experimental evidence demonstrating an impact on protein function has been reported. Three ClinVar submitters (evaluation after 2014) cite the variant as likely benign (n=2) and uncertain significance (n=1). Based on the evidence outlined above, the variant was classified as likely benign.

Ambry Genetics
Classification: Benign for Cardiovascular phenotype. Last evaluated: 2018-11-30. Review status: criteria provided, single submitter. Criteria: Ambry Variant Classification Scheme 2023. Collection method: clinical testing. Allele origin: germline.

Laboratory for Molecular Medicine, Mass General Brigham Personalized Medicine
Classification: Likely benign. Last evaluated: 2013-03-06. Review status: criteria provided, single submitter. Criteria: LMM Criteria. Collection method: clinical testing. Allele origin: germline. Observed: 1 variant allele.
Comment: Arg1636Cys in exon 33 of MYH6: This variant is not expected to have clinical sig nificance because it has been identified in 0.4% (18/4406) of African American c hromosomes from a broad population by the NHLBI Exome Sequencing Project (dbSNP rs149460065). Arg1636Cys in exon 33 of MYH6 (rs149460065; allele frequency = 0.4%, 18/4406) **

Breakthrough Genomics
Classification: Likely benign. Review status: criteria provided, single submitter. Criteria: ACMG Guidelines, 2015. Collection method: not provided. Allele origin: germline. Inheritance: Autosomal dominant inheritance. Affected: yes.

Clinical Genetics DNA and cytogenetics Diagnostics Lab, Erasmus MC, Erasmus Medical Center
Classification: Benign. Review status: no assertion criteria provided. Collection method: clinical testing. Allele origin: germline. Affected: yes. Study: VKGL Data-share Consensus. Not counted in ClinVar's aggregate classification.

Clinical Genetics, Academic Medical Center
Classification: Benign. Review status: no assertion criteria provided. Collection method: clinical testing. Allele origin: germline. Affected: yes. Study: VKGL Data-share Consensus. Not counted in ClinVar's aggregate classification.

Genome Diagnostics Laboratory, University Medical Center Utrecht
Classification: Benign. Review status: no assertion criteria provided. Collection method: clinical testing. Allele origin: germline. Affected: yes. Study: VKGL Data-share Consensus. Not counted in ClinVar's aggregate classification.

Literature cited by the submitters: PubMed 28087566 (cited by Women's Health and Genetics/Laboratory Corporation of America, LabCorp).

NM_002471.4(MYH6):c.4906C>T (p.Arg1636Cys)

Genes: MYH6 (myosin heavy chain 6; minus strand), LOC126861896 (BRD4-independent group 4 enhancer GRCh37_chr14:23854904-23856103; plus strand). Cytogenetic location: 14q11.2.
Variant type: single nucleotide variant.
Coding change: c.4906C>T on transcript NM_002471.4 (MANE Select); coding-DNA position 4906, C replaced by T.
Protein change: p.Arg1636Cys; replaces arginine 1636 with cysteine.
Molecular consequence: missense variant.
Genome position (GRCh38, 1-based): chr14:23,386,368, G>A on the plus strand (C>T on the coding strand, the complement: MYH6 is on the minus strand). VCF-style: chr14-23386368-G-A. GRCh37 (hg19) VCF-style: chr14-23855577-G-A.
Other names: short protein forms R1636C.
Identifiers: ClinVar variation 44525 (VCV000044525.25), dbSNP rs149460065, ClinGen allele CA134443.